The following is an entry in ClinVar:

ClinVar aggregate classification (germline): Uncertain significance (1 of 4 stars; one submission).

Conditions:
Primary ciliary dyskinesia. Also called: Ciliary dyskinesia. Identifiers: Orphanet 244, MedGen C0008780, MONDO:0016575, HP:0012265.

gnomAD v4.1: 4 of 1,613,672 alleles (0.00025%); highest among the groups gnomAD compares: Non-Finnish European, 0.00025%; no homozygotes.

Submission:

Ambry Genetics
Classification: Uncertain significance for Primary ciliary dyskinesia. Last evaluated: 2014-09-30. Review status: criteria provided, single submitter. Criteria: Ambry Variant Classification Scheme 2023. Collection method: clinical testing. Allele origin: germline.
Comment: The p.R4001I variant (also known as c.12002G>T), located in coding exon 70 of the DNAH5 gene, results from a G to T substitution at nucleotide position 12002. The arginine at codon 4001 is replaced by isoleucine, an amino acid with few similar properties. This variant was not reported in population based cohorts in the following databases: Database of Single Nucleotide Polymorphisms (dbSNP), NHLBI Exome Sequencing Project (ESP), and 1000 Genomes Project. In the ESP, this variant was not observed in 6503 samples (13006 alleles) with coverage at this position. This amino acid position is highly conserved in available vertebrate species. In addition, the in silico prediction for this alteration is inconclusive. Since supporting evidence is limited at this time, the clinical significance of this variant remains unclear.

NM_001369.3(DNAH5):c.12002G>T (p.Arg4001Ile)

Gene: DNAH5 (dynein axonemal heavy chain 5; minus strand). Cytogenetic location: 5p15.2.
Variant type: single nucleotide variant.
Coding change: c.12002G>T on transcript NM_001369.3 (MANE Select); coding-DNA position 12002, G replaced by T.
Protein change: p.Arg4001Ile; replaces arginine 4001 with isoleucine.
Molecular consequence: missense variant.
Genome position (GRCh38, 1-based): chr5:13,727,538, C>A on the plus strand (G>T on the coding strand, the complement: DNAH5 is on the minus strand). VCF-style: chr5-13727538-C-A. GRCh37 (hg19) VCF-style: chr5-13727647-C-A.
Other names: short protein forms R4001I.
Identifiers: ClinVar variation 1747297 (VCV001747297.2), dbSNP rs1290080477, ClinGen allele CA359217834.
Genomic context (GRCh38, chr5:13,727,538, plus strand): 5'-CATTTTTCTCTTTAATATGGACTTTTTACCTGGGCGATGGTTCTGTCAGGACACCAGGAT[C>A]TAATAAGGAGAAGACGTCTGAAGCAGTCAAGAGATTTATCATAGGCATTTGGAAGAGGTT-3'
Protein context (NP_001360.1, residues 3991-4011): LDCFRRLLLI[Arg4001Ile]SWCPDRTIAQ